The following is an entry in ClinVar:

ClinVar aggregate classification (germline): Uncertain significance (1 of 4 stars; one submission).

gnomAD v4.1: 1 of 1,613,220 alleles (0.000062%); highest among the groups gnomAD compares: African/African-American, 0.0013%; no homozygotes.

Submission:

Labcorp Genetics (formerly Invitae), Labcorp
Classification: Uncertain significance. Last evaluated: 2021-02-13. Review status: criteria provided, single submitter. Criteria: Invitae Variant Classification Sherloc (09022015). Collection method: clinical testing. Allele origin: germline.
Comment: In summary, the available evidence is currently insufficient to determine the role of this variant in disease. Therefore, it has been classified as a Variant of Uncertain Significance. Algorithms developed to predict the effect of sequence changes on RNA splicing suggest that this variant may disrupt the consensus splice site, but this prediction has not been confirmed by published transcriptional studies. This variant has not been reported in the literature in individuals with RGR-related conditions. This variant is not present in population databases (ExAC no frequency). This sequence change affects a donor splice site in intron 4 of the RGR gene. It is expected to disrupt RNA splicing. Variants that disrupt the donor or acceptor splice site typically lead to a loss of protein function (PMID: 16199547), however the current clinical and genetic evidence is not sufficient to establish whether loss-of-function variants in RGR cause disease.

Literature cited by the submitters: PubMed 16199547.

NM_001012720.2(RGR):c.512+1G>T

Gene: RGR (retinal G protein coupled receptor; plus strand). Cytogenetic location: 10q23.1.
Variant type: single nucleotide variant.
Coding change: c.512+1G>T on transcript NM_001012720.2 (MANE Select); the canonical splice donor site of the intron after coding-DNA position 512, G replaced by T.
Molecular consequence: splice donor variant.
Genome position (GRCh38, 1-based): chr10:84,253,011, G>T. VCF-style: chr10-84253011-G-T. GRCh37 (hg19) VCF-style: chr10-86012767-G-T.
Other names: c.524+1G>T (NM_002921.4); c.512+1G>T (NM_001012722.2).
Identifiers: ClinVar variation 1408699 (VCV001408699.8), dbSNP rs1564550302, ClinGen allele CA377391759.